The following is an entry in ClinVar:

NM_001113491.2(SEPTIN9):c.1161C>T (p.Tyr387=)

Gene: SEPTIN9 (septin 9; plus strand). Cytogenetic location: 17q25.3.
Variant type: single nucleotide variant.
Coding change: c.1161C>T on transcript NM_001113491.2 (MANE Select); coding-DNA position 1161, C replaced by T.
Protein change: p.Tyr387=; no amino-acid change (tyrosine 387 retained).
Molecular consequence: synonymous variant.
Genome position (GRCh38, 1-based): chr17:77,488,763, C>T. VCF-style: chr17-77488763-C-T. GRCh37 (hg19) VCF-style: chr17-75484845-C-T.
Other names: c.1161C>T (NM_001113491.1); c.669C>T, p.Tyr223= (NM_001113492.2, NM_001113494.1); c.1140C>T, p.Tyr380= (NM_001113493.2); c.408C>T, p.Tyr136= (NM_001113495.2, NM_001113496.2, NM_001293697.2 and 1 more transcripts); c.1104C>T, p.Tyr368= (NM_001293695.2); c.489C>T, p.Tyr163= (NM_001293696.2); c.1107C>T, p.Tyr369= (NM_006640.5).
Identifiers: ClinVar variation 740503 (VCV000740503.14), dbSNP rs201471541, ClinGen allele CA8793704.
Genomic context (GRCh38, chr17:77,488,763, plus strand): 5'-GACTCGTCCCCATCCCCCACGCAGCTGGCAGCCCATCATGAAGTTCATCAATGACCAGTA[C>T]GAGAAATACCTGCAGGAGGAGGTCAACATCAACCGCAAGAAGCGCATCCCGGACACCCGC-3'
Protein context (NP_001106963.1, residues 377-397): QPIMKFINDQ[Tyr387=]EKYLQEEVNI

ClinVar aggregate classification (germline): Benign/Likely benign. Review status: criteria provided, multiple submitters, no conflicts (2 of 4 stars). 4 submissions from 4 submitters: Benign (2); Likely benign (2). Last evaluated 2026-08-07.

Conditions:
SEPTIN9-related disorder. Also called: SEPTIN9-related condition.
Amyotrophic neuralgia (HNA). Also called: Hereditary Brachial Plexus Neuropathy; Neuritis with Brachial Predilection; AMYOTROPHY, HEREDITARY NEURALGIC; AMYOTROPHY, HEREDITARY NEURALGIC, WITH PREDILECTION FOR BRACHIAL PLEXUS. Identifiers: Orphanet 2901, MedGen C1834304, MONDO:0008076, OMIM 162100.

Allele frequency attached by ClinVar (database versions not stated): ExAC 0.00007; ESP Exome Variant Server 0.00008; gnomAD exomes 0.00010 and 0.00013; TOPMed 0.00010; gnomAD 0.00014 and 0.00016.
gnomAD v4.1: 213 of 1,613,728 alleles (0.013%); highest among the groups gnomAD compares: Middle Eastern, 0.016%; no homozygotes.

Submissions (4):

PreventionGenetics, part of Exact Sciences
Classification: Likely benign for SEPTIN9-related condition. Last evaluated: 2026-08-07. Review status: criteria provided, single submitter. Criteria: ACMG Guidelines, 2015. Collection method: clinical testing. Allele origin: germline.
Comment: This variant is classified as likely benign based on ACMG/AMP sequence variant interpretation guidelines (Richards et al. 2015 PMID: 25741868, with internal and published modifications).

Labcorp Genetics (formerly Invitae), Labcorp
Classification: Likely benign. Last evaluated: 2025-10-10. Review status: criteria provided, single submitter. Criteria: Invitae Variant Classification Sherloc (09022015). Collection method: clinical testing. Allele origin: germline.

Genome-Nilou Lab
Classification: Benign for Amyotrophic neuralgia. Last evaluated: 2021-12-05. Review status: criteria provided, single submitter. Criteria: ACMG Guidelines, 2015. Collection method: clinical testing. Allele origin: germline. Affected: no.

Illumina Laboratory Services, Illumina
Classification: Benign for Amyotrophy, hereditary neuralgic. Last evaluated: 2018-01-12. Review status: criteria provided, single submitter. Criteria: ICSL Variant Classification Criteria 13 December 2019. Collection method: clinical testing. Allele origin: germline.
Comment: This variant was observed in the ICSL laboratory as part of a predisposition screen in an ostensibly healthy population. It had not been previously curated by ICSL or reported in the Human Gene Mutation Database (HGMD: prior to June 1st, 2018), and was therefore a candidate for classification through an automated scoring system. Utilizing variant allele frequency, disease prevalence and penetrance estimates, and inheritance mode, an automated score was calculated to assess if this variant is too frequent to cause the disease. Based on the score and internal cut-off values, a variant classified as benign is not then subjected to further curation. The score for this variant resulted in a classification of benign for this disease.